The following is an entry in ClinVar:

ClinVar aggregate classification (germline): Uncertain significance. Review status: criteria provided, multiple submitters, no conflicts (2 of 4 stars). 2 submissions from 2 submitters: Uncertain significance (2). Last evaluated 2025-02-04.

Conditions:
Cardiomyopathy (CMYO). Also called: Cardiomyopathies. Identifiers: Orphanet 167848, MedGen C0878544, MONDO:0004994, HP:0001638. Inheritance: Various modes of inheritance.
Hypertrophic cardiomyopathy. Also called: HYPERTROPHIC MYOCARDIOPATHY. Identifiers: Orphanet 217569, MedGen C0007194, MeSH D002312, MONDO:0005045, HP:0001639.

Allele frequency attached by ClinVar (database versions not stated): gnomAD exomes below 0.00001.
gnomAD v4.1: 5 of 1,613,404 alleles (0.00031%); highest among the groups gnomAD compares: Non-Finnish European, 0.00042%; no homozygotes.

Submissions (2):

Labcorp Genetics (formerly Invitae), Labcorp
Classification: Uncertain significance for Hypertrophic cardiomyopathy. Last evaluated: 2025-02-04. Review status: criteria provided, single submitter. Criteria: Invitae Variant Classification Sherloc (09022015). Collection method: clinical testing. Allele origin: germline.
Comment: This sequence change replaces aspartic acid, which is acidic and polar, with glutamic acid, which is acidic and polar, at codon 245 of the MYBPC3 protein (p.Asp245Glu). This variant is not present in population databases (gnomAD no frequency). This variant has not been reported in the literature in individuals affected with MYBPC3-related conditions. ClinVar contains an entry for this variant (Variation ID: 923893). An algorithm developed to predict the effect of missense changes on protein structure and function (PolyPhen-2) suggests that this variant is likely to be tolerated. In summary, the available evidence is currently insufficient to determine the role of this variant in disease. Therefore, it has been classified as a Variant of Uncertain Significance.

Color Diagnostics, LLC DBA Color Health
Classification: Uncertain significance for Cardiomyopathy. Last evaluated: 2023-12-05. Review status: criteria provided, single submitter. Criteria: ACMG Guidelines, 2015. Collection method: clinical testing. Allele origin: germline.
Comment: This missense variant replaces aspartic acid with glutamic acid at codon 245 of the MYBPC3 protein. Computational prediction tools and conservation analyses suggest that this variant may have deleterious impact on the protein function. Computational splicing tools suggest that this variant may not impact RNA splicing. To our knowledge, functional assays have not been performed for this variant nor has this variant been reported in individuals affected with cardiovascular disorders in the literature. This variant has not been identified in the general population by the Genome Aggregation Database (gnomAD). Available evidence is insufficient to determine the role of this variant in disease conclusively. Therefore, this variant is classified as a Variant of Uncertain Significance.

NM_000256.3(MYBPC3):c.735C>A (p.Asp245Glu)

Gene: MYBPC3 (myosin binding protein C3; minus strand). Cytogenetic location: 11p11.2.
Variant type: single nucleotide variant.
Coding change: c.735C>A on transcript NM_000256.3 (MANE Select); coding-DNA position 735, C replaced by A.
Protein change: p.Asp245Glu; replaces aspartic acid 245 with glutamic acid.
Molecular consequence: missense variant.
Genome position (GRCh38, 1-based): chr11:47,348,461, G>T on the plus strand (C>A on the coding strand, the complement: MYBPC3 is on the minus strand). VCF-style: chr11-47348461-G-T. GRCh37 (hg19) VCF-style: chr11-47370012-G-T.
Other names: short protein forms D245E.
Identifiers: ClinVar variation 923893 (VCV000923893.6), dbSNP rs2095896763, ClinGen allele CA380335677.
Genomic context (GRCh38, chr11:47,348,461, plus strand): 5'-GACAGACACCAGGGCCCCCTCACCGTGGACAGTGAGATTGAAGTTGGAGCAGTCAAATTT[G>T]TCCTTGGTGGACACCTCACAGCGGTAGCTGCCAGTGAAGGCAGGCTGGGCATCGGTGATG-3'
Protein context (NP_000247.2, residues 235-255): GSYRCEVSTK[Asp245Glu]KFDCSNFNLT